The following is an entry in ClinVar:

ClinVar aggregate classification (germline): Uncertain significance (1 of 4 stars; one submission).

Conditions:
Inborn genetic diseases. Identifiers: MedGen C0950123, MeSH D030342.

Allele frequency attached by ClinVar (database versions not stated): ExAC 0.00001.
gnomAD v4.1: 22 of 1,614,150 alleles (0.0014%); highest among the groups gnomAD compares: Non-Finnish European, 0.0018%; no homozygotes.

Submission:

Ambry Genetics
Classification: Uncertain significance for Inborn genetic diseases. Last evaluated: 2022-01-18. Review status: criteria provided, single submitter. Criteria: Ambry Variant Classification Scheme 2023. Collection method: clinical testing. Allele origin: germline.
Comment: The p.D711N variant (also known as c.2131G>A), located in coding exon 22 of the ERCC2 gene, results from a G to A substitution at nucleotide position 2131. The aspartic acid at codon 711 is replaced by asparagine, an amino acid with highly similar properties. This amino acid position is conserved. In addition, the in silico prediction for this alteration is inconclusive. Since supporting evidence is limited at this time, the clinical significance of this alteration remains unclear.

NM_000400.4(ERCC2):c.2131G>A (p.Asp711Asn)

Gene: ERCC2 (ERCC excision repair 2, TFIIH core complex helicase subunit; minus strand). Cytogenetic location: 19q13.32.
Variant type: single nucleotide variant.
Coding change: c.2131G>A on transcript NM_000400.4 (MANE Select); coding-DNA position 2131, G replaced by A.
Protein change: p.Asp711Asn; replaces aspartic acid 711 with asparagine.
Molecular consequence: missense variant.
Genome position (GRCh38, 1-based): chr19:45,352,268, C>T on the plus strand (G>A on the coding strand, the complement: ERCC2 is on the minus strand). VCF-style: chr19-45352268-C-T. GRCh37 (hg19) VCF-style: chr19-45855526-C-T.
Other names: short protein forms D711N.
Identifiers: ClinVar variation 1786416 (VCV001786416.2), dbSNP rs763610846, ClinGen allele CA9512875.
Genomic context (GRCh38, chr19:45,352,268, plus strand): 5'-CCCGGTGGAAGGGCTGTGCCATCTGCCGCAGGAAGTACTTGGCCACCTGGACACCCTCGT[C>T]CACGGTCAGGTTGAGGTTGGCATCTGTGAGGTGCTCCTGGATCCAGCGGGGCAGCTTCCC-3'
Protein context (NP_000391.1, residues 701-721): LTDANLNLTV[Asp711Asn]EGVQVAKYFL